The following is an entry in ClinVar:

ClinVar aggregate classification (germline): Uncertain significance (1 of 4 stars; one submission).

Conditions:
Inborn genetic diseases. Identifiers: MedGen C0950123, MeSH D030342.

Submission:

Ambry Genetics
Classification: Uncertain significance for Inborn genetic diseases. Last evaluated: 2026-03-17. Review status: criteria provided, single submitter. Criteria: Ambry Variant Classification Scheme 2023. Collection method: clinical testing. Allele origin: germline.
Comment: The p.D1072Y variant (also known as c.3214G>T), located in coding exon 14 of the FANCM gene, results from a G to T substitution at nucleotide position 3214. The aspartic acid at codon 1072 is replaced by tyrosine, an amino acid with highly dissimilar properties. This amino acid position is conserved. In addition, this alteration is predicted to be tolerated by in silico analysis. Based on the available evidence, the clinical significance of this variant remains unclear.

NM_020937.4(FANCM):c.3214G>T (p.Asp1072Tyr)

Gene: FANCM (FA complementation group M; plus strand). Cytogenetic location: 14q21.2.
Variant type: single nucleotide variant.
Coding change: c.3214G>T on transcript NM_020937.4 (MANE Select); coding-DNA position 3214, G replaced by T.
Protein change: p.Asp1072Tyr; replaces aspartic acid 1072 with tyrosine.
Molecular consequence: missense variant.
Genome position (GRCh38, 1-based): chr14:45,175,968, G>T. VCF-style: chr14-45175968-G-T. GRCh37 (hg19) VCF-style: chr14-45645171-G-T.
Other names: c.3136G>T, p.Asp1046Tyr (NM_001308133.2); short protein forms D1046Y, D1072Y.
Identifiers: ClinVar variation 4871033 (VCV004871033.1).
Genomic context (GRCh38, chr14:45,175,968, plus strand): 5'-AATTCACTTAAATGTATAAATTATCCATCTGAAAAAAGTTGCCTTTATGATATACCTAAT[G>T]ATAATATTTCTGATGAGCCAAGTCTCTGTGACTGTGATGTACATAAACATAATCAAAATG-3'
Protein context (NP_065988.1, residues 1062-1082): EKSCLYDIPN[Asp1072Tyr]NISDEPSLCD